The following is an entry in ClinVar:

NM_003000.3(SDHB):c.555G>C (p.Glu185Asp)

Gene: SDHB (succinate dehydrogenase complex iron sulfur subunit B; minus strand). Cytogenetic location: 1p36.13.
Variant type: single nucleotide variant.
Coding change: c.555G>C on transcript NM_003000.3 (MANE Select); coding-DNA position 555, G replaced by C.
Protein change: p.Glu185Asp; replaces glutamic acid 185 with aspartic acid.
Molecular consequence: missense variant.
Genome position (GRCh38, 1-based): chr1:17,024,060, C>G on the plus strand (G>C on the coding strand, the complement: SDHB is on the minus strand). VCF-style: chr1-17024060-C-G. GRCh37 (hg19) VCF-style: chr1-17350555-C-G.
Other names: c.501G>C, p.Glu167Asp (NM_001407361.1); short protein forms E167D, E185D.
Identifiers: ClinVar variation 1748295 (VCV001748295.2), dbSNP rs761890806, ClinGen allele CA338271396.

ClinVar aggregate classification (germline): Uncertain significance (1 of 4 stars; one submission).

Conditions:
Hereditary cancer-predisposing syndrome. Also called: Hereditary Cancer Syndrome; Hereditary neoplastic syndrome; Neoplastic Syndromes, Hereditary; Tumor predisposition. Identifiers: Orphanet 140162, MedGen C0027672, MeSH D009386, MONDO:0015356.

Submission:

Ambry Genetics
Classification: Uncertain significance for Hereditary cancer-predisposing syndrome. Last evaluated: 2021-09-28. Review status: criteria provided, single submitter. Criteria: Ambry Variant Classification Scheme 2023. Collection method: clinical testing. Allele origin: germline.
Comment: The p.E185D variant (also known as c.555G>C), located in coding exon 6 of the SDHB gene, results from a G to C substitution at nucleotide position 555. The glutamic acid at codon 185 is replaced by aspartic acid, an amino acid with highly similar properties. This amino acid position is highly conserved in available vertebrate species. In addition, this alteration is predicted to be deleterious by in silico analysis. Since supporting evidence is limited at this time, the clinical significance of this alteration remains unclear.